The following is an entry in ClinVar:

NM_001365999.1(SZT2):c.5146C>T (p.Gln1716Ter)

Gene: SZT2 (SZT2 subunit of KICSTOR complex; plus strand). Cytogenetic location: 1p34.2.
Variant type: single nucleotide variant.
Coding change: c.5146C>T on transcript NM_001365999.1 (MANE Select); coding-DNA position 5146, C replaced by T.
Protein change: p.Gln1716Ter; replaces glutamine 1716 with a stop codon.
Molecular consequence: nonsense.
Genome position (GRCh38, 1-based): chr1:43,431,773, C>T. VCF-style: chr1-43431773-C-T. GRCh37 (hg19) VCF-style: chr1-43897444-C-T.
Other names: c.4975C>T, p.Gln1659Ter (NM_015284.4); short protein forms Q1659*, Q1716*.
Identifiers: ClinVar variation 862373 (VCV000862373.7), dbSNP rs1653916498, ClinGen allele CA340023500.
Genomic context (GRCh38, chr1:43,431,773, plus strand): 5'-TAGATCCGCTGGTTGTTGGAAGATGAGATGGTGGGGGCACTCCGAAGAGGGGGCATCCCA[C>T]AGAGTCCTGCCCTGCACCGCGCAGCTGCCCATATCCATAGTTCTCCTGGACGCTCCACCT-3'

ClinVar aggregate classification (germline): Pathogenic (1 of 4 stars; one submission).

Submission:

Labcorp Genetics (formerly Invitae), Labcorp
Classification: Pathogenic. Last evaluated: 2022-06-13. Review status: criteria provided, single submitter. Criteria: Invitae Variant Classification Sherloc (09022015). Collection method: clinical testing. Allele origin: germline.
Comment: For these reasons, this variant has been classified as Pathogenic. ClinVar contains an entry for this variant (Variation ID: 862373). This sequence change creates a premature translational stop signal (p.Gln1659*) in the SZT2 gene. It is expected to result in an absent or disrupted protein product. Loss-of-function variants in SZT2 are known to be pathogenic (PMID: 23932106, 27248490, 28556953). This variant is not present in population databases (gnomAD no frequency). This variant has not been reported in the literature in individuals affected with SZT2-related conditions.

Literature cited by the submitters: PubMed 23932106; PubMed 27248490; PubMed 28556953.